The following is an entry in ClinVar:

ClinVar aggregate classification (germline): Uncertain significance. Review status: criteria provided, multiple submitters, no conflicts (2 of 4 stars). 2 submissions from 2 submitters: Uncertain significance (2). Last evaluated 2024-10-22.

Conditions:
Potassium-aggravated myotonia. Also called: Myotonia congenita, atypical, acetazolamide-responsive; MYOTONIA CONGENITA, ACETAZOLAMIDE-RESPONSIVE; MYOTONIA CONGENITA, ATYPICAL; SODIUM CHANNEL MUSCLE DISEASE. Identifiers: Orphanet 612, Orphanet 99734, Orphanet 99735, Orphanet 99736, MedGen C2931826, MONDO:0018959, OMIM 608390.
Congenital myasthenic syndrome 16. Identifiers: Orphanet 590, MedGen C3280112, MONDO:0013620, OMIM 614198.
Paramyotonia congenita of Von Eulenburg. Also called: Paramyotonia Congenita; PARALYSIS PERIODICA PARAMYOTONICA; Eulenburg disease; Myotonia congenita intermittens; Von Eulenburg paramyotonia congenita. Identifiers: Orphanet 684, MedGen C0221055, MONDO:0008195, OMIM 168300. Disease mechanism: loss of function.
Hypokalemic periodic paralysis, type 2 (HOKPP2). Identifiers: Orphanet 681, MedGen C2750061, MONDO:0013234, OMIM 613345.
Congenital myopathy 22A, classic (CMYO22A). Identifiers: MedGen C5830453, MONDO:0957247, OMIM 620351.
Congenital myopathy 22B, severe fetal (CMYO22B). Identifiers: MedGen C5830501, MONDO:0957265, OMIM 620369.
Hyperkalemic periodic paralysis. Also called: Familial hyperkalemic periodic paralysis; Gamstorp disease. Identifiers: Orphanet 682, MedGen C0238357, MONDO:0008224, OMIM 170500, HP:0007215.

Allele frequency attached by ClinVar (database versions not stated): gnomAD 0.00001; ExAC 0.00002.

Submissions (2):

Labcorp Genetics (formerly Invitae), Labcorp
Classification: Uncertain significance for Hyperkalemic periodic paralysis. Last evaluated: 2024-10-22. Review status: criteria provided, single submitter. Criteria: Invitae Variant Classification Sherloc (09022015). Collection method: clinical testing. Allele origin: germline.
Comment: This sequence change replaces glutamic acid, which is acidic and polar, with aspartic acid, which is acidic and polar, at codon 49 of the SCN4A protein (p.Glu49Asp). This variant is present in population databases (rs781147290, gnomAD 0.003%). This variant has not been reported in the literature in individuals affected with SCN4A-related conditions. ClinVar contains an entry for this variant (Variation ID: 942667). Invitae Evidence Modeling of protein sequence and biophysical properties (such as structural, functional, and spatial information, amino acid conservation, physicochemical variation, residue mobility, and thermodynamic stability) indicates that this missense variant is not expected to disrupt SCN4A protein function with a negative predictive value of 95%. In summary, the available evidence is currently insufficient to determine the role of this variant in disease. Therefore, it has been classified as a Variant of Uncertain Significance.

Fulgent Genetics
Classification: Uncertain significance for Paramyotonia congenita of Von Eulenburg; Hyperkalemic periodic paralysis; Potassium-aggravated myotonia; Hypokalemic periodic paralysis, type 2; Congenital myasthenic syndrome 16; Congenital myopathy 22A, classic; Congenital myopathy 22B, severe fetal. Last evaluated: 2024-06-08. Review status: criteria provided, single submitter. Criteria: ACMG Guidelines, 2015. Collection method: clinical testing. Allele origin: germline.

NM_000334.4(SCN4A):c.147G>C (p.Glu49Asp)

Gene: SCN4A (sodium voltage-gated channel alpha subunit 4; minus strand). Cytogenetic location: 17q23.3.
Variant type: single nucleotide variant.
Coding change: c.147G>C on transcript NM_000334.4 (MANE Select); coding-DNA position 147, G replaced by C.
Protein change: p.Glu49Asp; replaces glutamic acid 49 with aspartic acid.
Molecular consequence: missense variant.
Genome position (GRCh38, 1-based): chr17:63,972,695, C>G on the plus strand (G>C on the coding strand, the complement: SCN4A is on the minus strand). VCF-style: chr17-63972695-C-G. GRCh37 (hg19) VCF-style: chr17-62050055-C-G.
Other names: short protein forms E49D.
Identifiers: ClinVar variation 942667 (VCV000942667.11), dbSNP rs781147290, ClinGen allele CA8710272.